The following is an entry in ClinVar:

NM_001009944.3(PKD1):c.5363G>A (p.Gly1788Asp)

Gene: PKD1 (polycystin 1, transient receptor potential channel interacting; minus strand). Cytogenetic location: 16p13.3.
Variant type: single nucleotide variant.
Coding change: c.5363G>A on transcript NM_001009944.3 (MANE Select); coding-DNA position 5363, G replaced by A.
Protein change: p.Gly1788Asp; replaces glycine 1788 with aspartic acid.
Molecular consequence: missense variant.
Genome position (GRCh38, 1-based): chr16:2,109,804, C>T on the plus strand (G>A on the coding strand, the complement: PKD1 is on the minus strand). VCF-style: chr16-2109804-C-T. GRCh37 (hg19) VCF-style: chr16-2159805-C-T.
Other names: c.5363G>A, p.Gly1788Asp (NM_000296.4); c.5363G>A (NM_000296.3); short protein forms G1788D.
Identifiers: ClinVar variation 997186 (VCV000997186.6), dbSNP rs201778279, ClinGen allele CA7832013.

ClinVar aggregate classification (germline): Conflicting classifications of pathogenicity. Review status: criteria provided, conflicting classifications (1 of 4 stars). 3 submissions from 3 submitters: Uncertain significance (1); Likely benign (1). 1 of the submissions does not count toward it. Last evaluated 2026-04-01.

Conditions:
Inborn genetic diseases. Identifiers: MedGen C0950123, MeSH D030342.
Polycystic kidney disease. Also called: Kidney, Polycystic; Polycystic kidney dysplasia. Identifiers: MedGen C0022680, MeSH D007690, MONDO:0020642, HP:0000113.

Allele frequency attached by ClinVar (database versions not stated): ESP Exome Variant Server 0.00023; gnomAD exomes 0.00028 and 0.00036; gnomAD 0.00029 and 0.00031; TOPMed 0.00029; ExAC 0.00040.
gnomAD v4.1: 474 of 1,610,306 alleles (0.029%); highest among the groups gnomAD compares: Non-Finnish European, 0.027%; no homozygotes.

Submissions (3):

CeGaT Center for Human Genetics Tuebingen
Classification: Likely benign. Last evaluated: 2026-04-01. Review status: criteria provided, single submitter. Criteria: CeGaT Center For Human Genetics Tuebingen Variant Classification Criteria Version 2. Collection method: clinical testing. Allele origin: germline. Affected: yes. Observed: 1 variant allele.
Comment: PKD1: BP4, BS1

Ambry Genetics
Classification: Uncertain significance for Inborn genetic diseases. Last evaluated: 2021-11-30. Review status: criteria provided, single submitter. Criteria: Ambry Variant Classification Scheme 2023. Collection method: clinical testing. Allele origin: germline.

Department of Pathology and Laboratory Medicine, Sinai Health System
Classification: Likely benign for Polycystic Kidney disease. Review status: no assertion criteria provided. Collection method: clinical testing. Allele origin: unknown. Affected: yes. Study: The Canadian Open Genetics Repository (COGR). Not counted in ClinVar's aggregate classification.
Comment: The PKD1 p.Gly1788Asp variant was not identified in the literature nor was it identified in the ClinVar or PKD1-LOVD databases. The variant was identified in dbSNP (rs201778279) as â€šÃ„ÃºNAâ€šÃ„Ã¹, LOVD 3.0 (observed 1x) and ADPKD Mutation Database (observed 1x). The variant was identified in control databases in 89 of 271,728 chromosomes at a frequency of 0.0003 (Genome Aggregation Database Feb 27, 2017). The variant was observed in the following populations: Ashkenazi Jewish in 40 of 10,012 chromosomes (freq: 0.004, increasing the likelihood this could be a low frequency benign variant), Other in 2 of 6350 chromosomes (freq: 0.0003), European in 46 of 123,306 chromosomes (freq: 0.0004), Finnish in 1 of 25,044 chromosomes (freq: 0.00004); it was not observed in the African, Latino, East Asian or South Asian populations. The p.Gly1788 residue is conserved in mammals but not in more distantly related organisms however four out of five computational analyses (PolyPhen-2, SIFT, AlignGVGD, BLOSUM, MutationTaster) do not suggest a high likelihood of impact to the protein; this information is not predictive enough to rule out pathogenicity. The variant occurs outside of the splicing consensus sequence and in silico or computational prediction software programs (SpliceSiteFinder, MaxEntScan, NNSPLICE, GeneSplicer) do not predict a difference in splicing. In summary, based on the above information, the clinical significance of this variant cannot be determined with certainty at this time although we would lean towards a more benign role for this variant. This variant is classified as likely benign.